The following is an entry in ClinVar:

ClinVar aggregate classification (germline): Uncertain significance. Review status: criteria provided, multiple submitters, no conflicts (2 of 4 stars). 6 submissions from 6 submitters: Uncertain significance (6). Last evaluated 2025-11-19.

Conditions:
ATM-related cancer predisposition. Also called: ATM-related cancer susceptibility. Identifiers: MedGen CN377759, MONDO:0700270.
Hereditary cancer-predisposing syndrome. Also called: Hereditary Cancer Syndrome; Neoplastic Syndromes, Hereditary; Tumor predisposition; Hereditary neoplastic syndrome. Identifiers: Orphanet 140162, MedGen C0027672, MeSH D009386, MONDO:0015356.
Familial cancer of breast. Also called: BREAST CANCER, FAMILIAL; hereditary breast carcinoma; Hereditary breast cancer. Identifiers: Orphanet 227535, MedGen C0346153, MONDO:0016419, OMIM 114480. Disease mechanism: loss of function.
Ataxia-telangiectasia syndrome (AT). Also called: ATAXIA-TELANGIECTASIA, COMPLEMENTATION GROUP A; ATAXIA-TELANGIECTASIA, FRESNO VARIANT; Ataxia-telangiectasia; LOUIS-BAR SYNDROME; Ataxia telangiectasia (A-T); Ataxia-telangiectasia, complementation group D. Identifiers: Orphanet 100, MedGen C0004135, MONDO:0008840, OMIM 208900.

Submissions (6):

Labcorp Genetics (formerly Invitae), Labcorp
Classification: Uncertain significance for Ataxia-telangiectasia syndrome. Last evaluated: 2025-11-19. Review status: criteria provided, single submitter. Criteria: Invitae Variant Classification Sherloc (09022015). Collection method: clinical testing. Allele origin: germline.
Comment: This sequence change replaces alanine, which is neutral and non-polar, with leucine, which is neutral and non-polar, at codon 816 of the ATM protein (p.Ala816Leu). This variant is present in population databases (rs587781956, gnomAD 0.0004%). This variant has not been reported in the literature in individuals affected with ATM-related conditions. ClinVar contains an entry for this variant (Variation ID: 141714). An algorithm developed to predict the effect of missense changes on protein structure and function (PolyPhen-2) suggests that this variant is likely to be tolerated. In summary, the available evidence is currently insufficient to determine the role of this variant in disease. Therefore, it has been classified as a Variant of Uncertain Significance.

Color Diagnostics, LLC DBA Color Health
Classification: Uncertain significance for Hereditary cancer-predisposing syndrome. Last evaluated: 2025-03-17. Review status: criteria provided, single submitter. Criteria: ACMG Guidelines, 2015. Collection method: clinical testing. Allele origin: germline.
Comment: This missense variant replaces alanine with leucine at codon 816 of the ATM protein. To our knowledge, functional studies have not been reported for this variant. This variant has not been reported in individuals affected with hereditary cancer in the literature. This variant has not been identified in the general population by the Genome Aggregation Database (gnomAD). The available evidence is insufficient to determine the role of this variant in disease conclusively. Therefore, this variant is classified as a Variant of Uncertain Significance.

Ambry Genetics
Classification: Uncertain significance for Hereditary cancer-predisposing syndrome. Last evaluated: 2025-03-12. Review status: criteria provided, single submitter. Criteria: Ambry Variant Classification Scheme 2023. Collection method: clinical testing. Allele origin: germline.
Comment: The c.2446_2447delGCinsCT variant (also known as p.A816L), located in coding exon 15 of the ATM gene, results from an in-frame deletion of GC and insertion of CT at nucleotide positions 2446 to 2447. This results in the substitution of the alanine residue for a leucine residue at codon 816, an amino acid with similar properties. This amino acid position is not well conserved in available vertebrate species. In addition, this alteration is predicted to be neutral by in silico analysis (Choi Y et al. PLoS ONE. 2012; 7(10):e46688). Based on the available evidence, the clinical significance of this variant remains unclear.

GeneDx
Classification: Uncertain significance. Last evaluated: 2024-03-28. Review status: criteria provided, single submitter. Criteria: GeneDx Variant Classification Process June 2021. Collection method: clinical testing. Allele origin: germline. Affected: yes.
Comment: Not observed at significant frequency in large population cohorts (gnomAD); In silico analysis supports that this variant does not alter protein structure/function; Has not been previously published as pathogenic or benign to our knowledge

Baylor Genetics
Classification: Uncertain significance for Familial cancer of breast. Last evaluated: 2023-08-06. Review status: criteria provided, single submitter. Criteria: ACMG Guidelines, 2015. Collection method: clinical testing. Allele origin: unknown.

Department of Pathology and Laboratory Medicine, Sinai Health System
Classification: Uncertain significance for ATM-related cancer predisposition. Last evaluated: 2023-02-09. Review status: criteria provided, single submitter. Criteria: ACMG Guidelines, 2015. Collection method: clinical testing. Allele origin: germline. Affected: no.

Literature cited by the submitters: PubMed 33471991 (cited by Department of Pathology and Laboratory Medicine, Sinai Health System).

NM_000051.4(ATM):c.2446_2447delinsCT (p.Ala816Leu)

Gene: ATM (ATM serine/threonine kinase; plus strand). Cytogenetic location: 11q22.3.
Variant type: Indel.
Coding change: c.2446_2447delinsCT on transcript NM_000051.4 (MANE Select); coding-DNA positions 2446 to 2447, GC replaced by CT.
Protein change: p.Ala816Leu; replaces alanine 816 with leucine.
Molecular consequence: missense variant.
Genome position (GRCh38, 1-based): chr11:108,259,055-108,259,056, GC replaced by CT. VCF-style: chr11-108259055-GC-CT. GRCh37 (hg19) VCF-style: chr11-108129782-GC-CT.
Other names: c.2446_2447delGCinsCT (NM_000051.3); c.2446_2447delinsCT, p.Ala816Leu (NM_001351834.2); short protein forms A816L.
Identifiers: ClinVar variation 141714 (VCV000141714.22), dbSNP rs587781956, ClinGen allele CA166208.
Genomic context (GRCh38, chr11:108,259,055, plus strand): 5'-AATAAGATTGCATCTGGCTTTTTCCTGCGATTGTTAACATCAAAGCTAATGAATGACATT[GC>CT]AGATATTTGTAAAAGTTTAGTAAGTATGCTTCCTGTTTTGCTATCATATTTTGATTCTAA-3'
Protein context (NP_000042.3, residues 806-826): LLTSKLMNDI[Ala816Leu]DICKSLASFI